The following is an entry in ClinVar:

NM_001130823.3(DNMT1):c.2383G>A (p.Val795Ile)

Gene: DNMT1 (DNA methyltransferase 1; minus strand). Cytogenetic location: 19p13.2.
Variant type: single nucleotide variant.
Coding change: c.2383G>A on transcript NM_001130823.3 (MANE Select); coding-DNA position 2383, G replaced by A.
Protein change: p.Val795Ile; replaces valine 795 with isoleucine.
Molecular consequence: missense variant.
Genome position (GRCh38, 1-based): chr19:10,149,656, C>T on the plus strand (G>A on the coding strand, the complement: DNMT1 is on the minus strand). VCF-style: chr19-10149656-C-T. GRCh37 (hg19) VCF-style: chr19-10260332-C-T.
Other names: c.2383G>A (LRG_362t1); c.2335G>A, p.Val779Ile (NM_001318730.2, NM_001379.4); c.2020G>A, p.Val674Ile (NM_001318731.2); short protein forms V795I, V674I, V779I.
Identifiers: ClinVar variation 472267 (VCV000472267.8), dbSNP rs1555690511, ClinGen allele CA403929504.

ClinVar aggregate classification (germline): Uncertain significance (1 of 4 stars; one submission).

Conditions:
Hereditary sensory neuropathy-deafness-dementia syndrome. Also called: HSN IE; Hereditary sensory neuropathy type IE; NEUROPATHY, HEREDITARY SENSORY, WITH HEARING LOSS AND DEMENTIA; Hereditary Sensory and Autonomic Neuropathy Type 1E (HSAN1E). Identifiers: Orphanet 456318, MedGen C3279885, MONDO:0013584, OMIM 614116.

Submission:

Labcorp Genetics (formerly Invitae), Labcorp
Classification: Uncertain significance for Hereditary sensory neuropathy-deafness-dementia syndrome. Last evaluated: 2017-06-05. Review status: criteria provided, single submitter. Criteria: Invitae Variant Classification Sherloc (09022015). Collection method: clinical testing. Allele origin: germline.
Comment: This sequence change replaces valine with isoleucine at codon 795 of the DNMT1 protein (p.Val795Ile). The valine residue is moderately conserved and there is a small physicochemical difference between valine and isoleucine. This variant is not present in population databases (ExAC no frequency). This variant has not been reported in the literature in individuals with a DNMT1-related disease. Algorithms developed to predict the effect of missense changes on protein structure and function output the following: SIFT: "Tolerated"; PolyPhen-2: "Benign"; Align-GVGD: "Class C0". The isoleucine amino acid residue is found in multiple mammalian species, suggesting that this missense change does not adversely affect protein function. These predictions have not been confirmed by published functional studies and their clinical significance is uncertain. In summary, this variant has uncertain impact on DNMT1 function. The available evidence is currently insufficient to determine its role in disease. Therefore, it has been classified as a Variant of Uncertain Significance.